The following is an entry in ClinVar:

NM_001854.4(COL11A1):c.3071G>A (p.Gly1024Glu)

Gene: COL11A1 (collagen type XI alpha 1 chain; minus strand). Cytogenetic location: 1p21.1.
Variant type: single nucleotide variant.
Coding change: c.3071G>A on transcript NM_001854.4 (MANE Select); coding-DNA position 3071, G replaced by A.
Protein change: p.Gly1024Glu; replaces glycine 1024 with glutamic acid.
Molecular consequence: missense variant. On other transcripts: non-coding transcript variant (1).
Genome position (GRCh38, 1-based): chr1:102,962,219, C>T on the plus strand (G>A on the coding strand, the complement: COL11A1 is on the minus strand). VCF-style: chr1-102962219-C-T. GRCh37 (hg19) VCF-style: chr1-103427775-C-T.
Other names: c.2954G>A, p.Gly985Glu (NM_001190709.2); c.3107G>A, p.Gly1036Glu (NM_080629.3); c.2723G>A, p.Gly908Glu (NM_080630.4); short protein forms G1024E, G1036E, G908E, G985E.
Identifiers: ClinVar variation 3377511 (VCV003377511.1).
Genomic context (GRCh38, chr1:102,962,219, plus strand): 5'-ATAGATATTGATTATACCTGAGCTCCAGGAAGACCTCTTTCCCCTGGGAAACCACGTAAT[C>T]CTGCTGGTCCATCTTTCCCTGAGATACCTTGAGGACCTGGATCACCCTAAAGAATATAAT-3'
Protein context (NP_001845.3, residues 1014-1034): QGISGKDGPA[Gly1024Glu]LRGFPGERGL

ClinVar aggregate classification (germline): Likely pathogenic (1 of 4 stars; one submission).

Conditions:
Stickler syndrome type 2 (STL2). Also called: STICKLER SYNDROME, TYPE II; STICKLER SYNDROME, BEADED VITREOUS TYPE; STICKLER SYNDROME, VITREOUS TYPE 2; COL11A1-Related Stickler Syndrome. Identifiers: Orphanet 828, Orphanet 90654, MedGen C1858084, MONDO:0011493, OMIM 604841.

Submission:

Victorian Clinical Genetics Services, Murdoch Childrens Research Institute
Classification: Likely pathogenic for Stickler syndrome type 2. Last evaluated: 2022-06-24. Review status: criteria provided, single submitter. Criteria: ACMG Guidelines, 2015. Collection method: clinical testing. Allele origin: germline. Inheritance: Autosomal dominant inheritance. Affected: yes.
Comment: Based on the classification scheme VCGS_Germline_v1.3.4, this variant is classified as Likely Pathogenic. Following criteria are met: 0102 - Loss of function is a known mechanism of disease in this gene and is associated with COL11A1-related skeletal dysplasias and deafness 37 (MIM#618533). Dominant negative is also a suggested mechanism (OMIM). (I) 0108 - This gene is associated with both recessive and dominant disease. Both missense variants and those predicted to result in a truncated protein, have been reported to cause recessive and dominant modes of disease. Marshall syndrome and Stickler syndrome have been reported with both dominant and recessive modes of inheritance (PMID: 32578940, PMID: 25073711), where the latter is usually caused by variants within exon 9. (I) 0115 - Variants in this gene causing Stickler syndrome are known to have variable expressivity (PMID: 27081569). (I) 0200 - Variant is predicted to result in a missense amino acid change from glycine to glutamic acid. (I) 0251 - This variant is heterozygous. (I) 0301 - Variant is absent from gnomAD (both v2 and v3). (SP) 0501 - Missense variant consistently predicted to be damaging by multiple in silico tools or highly conserved with a major amino acid change. (SP) 0601 - Variant is located in the well-established functional triple helical region. This variant disrupts a glycine within a G-X-Y repeat motif (PMID: 27081569, DECIPHER). (SP) 0705 - No comparable missense variants have previous evidence for pathogenicity. (I) 0807 - This variant has no previous evidence of pathogenicity. (I) 0905 - No published segregation evidence has been identified for this variant. (I) 1007 - No published functional evidence has been identified for this variant. (I) 1207 - Parental origin of the variant is unresolved (by segregation analysis). (I) Legend: (SP) - Supporting pathogenic, (I) - Information, (SB) - Supporting benign

Literature cited by the submitters: PubMed 25073711; PubMed 27081569; PubMed 32578940.